The following is an entry in ClinVar:

ClinVar aggregate classification (germline): Uncertain significance (1 of 4 stars; one submission).

Conditions:
Cowden syndrome 6 (CWS6). Identifiers: Orphanet 201, MedGen C3554519, MONDO:0014048, OMIM 615109.

Allele frequency attached by ClinVar (database versions not stated): gnomAD exomes below 0.00001; ExAC 0.00001.
gnomAD v4.1: 1 of 1,614,122 alleles (0.000062%); highest among the groups gnomAD compares: Non-Finnish European, 0.000085%; no homozygotes.

Submission:

Labcorp Genetics (formerly Invitae), Labcorp
Classification: Uncertain significance for Cowden syndrome 6. Last evaluated: 2018-07-03. Review status: criteria provided, single submitter. Criteria: Invitae Variant Classification Sherloc (09022015). Collection method: clinical testing. Allele origin: germline.
Comment: In summary, the available evidence is currently insufficient to determine the role of this variant in disease. Therefore, it has been classified as a Variant of Uncertain Significance. Algorithms developed to predict the effect of sequence changes on RNA splicing suggest that this variant may create or strengthen a splice site, but this prediction has not been confirmed by published transcriptional studies. Algorithms developed to predict the effect of missense changes on protein structure and function are either unavailable or do not agree on the potential impact of this missense change (SIFT: "Tolerated"; PolyPhen-2: "Possibly Damaging"; Align-GVGD: "Class C0"). This variant has not been reported in the literature in individuals with AKT1-related disease. This variant is present in population databases (rs768070795, ExAC 0.002%). This sequence change replaces alanine with valine at codon 171 of the AKT1 protein (p.Ala171Val). The alanine residue is moderately conserved and there is a small physicochemical difference between alanine and valine.

NM_001382430.1(AKT1):c.512C>T (p.Ala171Val)

Gene: AKT1 (AKT serine/threonine kinase 1; minus strand). Cytogenetic location: 14q32.33.
Variant type: single nucleotide variant.
Coding change: c.512C>T on transcript NM_001382430.1 (MANE Select); coding-DNA position 512, C replaced by T.
Protein change: p.Ala171Val; replaces alanine 171 with valine.
Molecular consequence: missense variant.
Genome position (GRCh38, 1-based): chr14:104,775,131, G>A on the plus strand (C>T on the coding strand, the complement: AKT1 is on the minus strand). VCF-style: chr14-104775131-G-A. GRCh37 (hg19) VCF-style: chr14-105241468-G-A.
Other names: c.512C>T, p.Ala171Val (NM_001014431.2, NM_001014432.2, NM_001382431.1 and 3 more transcripts); short protein forms A171V.
Identifiers: ClinVar variation 639523 (VCV000639523.8), dbSNP rs768070795, ClinGen allele CA7374765.